The following is an entry in ClinVar:

NM_005428.4(VAV1):c.283G>A (p.Glu95Lys)

Gene: VAV1 (vav guanine nucleotide exchange factor 1; plus strand). Cytogenetic location: 19p13.3.
Variant type: single nucleotide variant.
Coding change: c.283G>A on transcript NM_005428.4 (MANE Select); coding-DNA position 283, G replaced by A.
Protein change: p.Glu95Lys; replaces glutamic acid 95 with lysine.
Molecular consequence: missense variant.
Genome position (GRCh38, 1-based): chr19:6,820,780, G>A. VCF-style: chr19-6820780-G-A. GRCh37 (hg19) VCF-style: chr19-6820791-G-A.
Other names: c.283G>A, p.Glu95Lys (NM_001258206.2, NM_001258207.2); short protein forms E95K.
Identifiers: ClinVar variation 3645845 (VCV003645845.2).

ClinVar aggregate classification (germline): Uncertain significance (1 of 4 stars; one submission).

gnomAD v4.1: 1 of 1,614,198 alleles (0.000062%); highest among the groups gnomAD compares: Non-Finnish European, 0.000085%; no homozygotes.

Submission:

Labcorp Genetics (formerly Invitae), Labcorp
Classification: Uncertain significance. Last evaluated: 2024-03-13. Review status: criteria provided, single submitter. Criteria: Invitae Variant Classification Sherloc (09022015). Collection method: clinical testing. Allele origin: germline.
Comment: This sequence change replaces glutamic acid, which is acidic and polar, with lysine, which is basic and polar, at codon 95 of the VAV1 protein (p.Glu95Lys). This variant is not present in population databases (gnomAD no frequency). This variant has not been reported in the literature in individuals affected with VAV1-related conditions. An algorithm developed to predict the effect of missense changes on protein structure and function (PolyPhen-2) suggests that this variant is likely to be disruptive. In summary, the available evidence is currently insufficient to determine the role of this variant in disease. Therefore, it has been classified as a Variant of Uncertain Significance.